The following is an entry in ClinVar:

ClinVar aggregate classification (germline): Benign/Likely benign. Review status: criteria provided, multiple submitters, no conflicts (2 of 4 stars). 6 submissions from 6 submitters: Benign (3); Likely benign (2). 1 of the submissions does not count toward it. Last evaluated 2026-08-01.

Conditions:
Amyotrophic lateral sclerosis type 21. Also called: MYOPATHY, DISTAL, 2; VOCAL CORD AND PHARYNGEAL DYSFUNCTION WITH DISTAL MYOPATHY. Identifiers: Orphanet 600, Orphanet 803, MedGen C3807521, MONDO:0011632, OMIM 606070.
MATR3-related disorder. Also called: MATR3-related condition.

Allele frequency attached by ClinVar (database versions not stated): gnomAD exomes 0.00027 and 0.00047; ESP Exome Variant Server 0.00031; ExAC 0.00032; gnomAD 0.00034; TOPMed 0.00048; 1000 Genomes Project 0.00060; 1000 Genomes Project 30x 0.00062.
gnomAD v4.1: 452 of 1,614,108 alleles (0.028%); highest among the groups gnomAD compares: Middle Eastern, 0.31%; 1 homozygote.

Submissions (6):

CeGaT Center for Human Genetics Tuebingen
Classification: Likely benign. Last evaluated: 2026-08-01. Review status: criteria provided, single submitter. Criteria: CeGaT Center For Human Genetics Tuebingen Variant Classification Criteria Version 2. Collection method: clinical testing. Allele origin: germline. Affected: yes. Observed: 3 variant alleles.
Comment: MATR3: BP4, BP7

Labcorp Genetics (formerly Invitae), Labcorp
Classification: Benign for Amyotrophic lateral sclerosis type 21. Last evaluated: 2026-02-01. Review status: criteria provided, single submitter. Criteria: Invitae Variant Classification Sherloc (09022015). Collection method: clinical testing. Allele origin: germline.

Blueprint Genetics
Classification: Likely benign. Last evaluated: 2024-10-04. Review status: criteria provided, single submitter. Criteria: ACMG Guidelines, 2015. Collection method: clinical testing. Allele origin: germline.

GeneDx
Classification: Benign. Last evaluated: 2020-04-17. Review status: criteria provided, single submitter. Criteria: GeneDx Variant Classification Process June 2021. Collection method: clinical testing. Allele origin: germline. Affected: yes.

Illumina Laboratory Services, Illumina
Classification: Benign for Amyotrophic lateral sclerosis type 21. Last evaluated: 2018-01-13. Review status: criteria provided, single submitter. Criteria: ICSL Variant Classification Criteria 13 December 2019. Collection method: clinical testing. Allele origin: germline.
Comment: This variant was observed in the ICSL laboratory as part of a predisposition screen in an ostensibly healthy population. It had not been previously curated by ICSL or reported in the Human Gene Mutation Database (HGMD: prior to June 1st, 2018), and was therefore a candidate for classification through an automated scoring system. Utilizing variant allele frequency, disease prevalence and penetrance estimates, and inheritance mode, an automated score was calculated to assess if this variant is too frequent to cause the disease. Based on the score and internal cut-off values, a variant classified as benign is not then subjected to further curation. The score for this variant resulted in a classification of benign for this disease.

PreventionGenetics, part of Exact Sciences
Classification: Likely benign for MATR3-related condition. Last evaluated: 2019-06-12. Review status: no assertion criteria provided. Collection method: clinical testing. Allele origin: germline. Not counted in ClinVar's aggregate classification.
Comment: This variant is classified as likely benign based on ACMG/AMP sequence variant interpretation guidelines (Richards et al. 2015 PMID: 25741868, with internal and published modifications).

NM_018834.6(MATR3):c.291A>G (p.Leu97=)

Gene: MATR3 (matrin 3; plus strand). Cytogenetic location: 5q31.2.
Variant type: single nucleotide variant.
Coding change: c.291A>G on transcript NM_018834.6 (MANE Select); coding-DNA position 291, A replaced by G.
Protein change: p.Leu97=; no amino-acid change (leucine 97 retained).
Molecular consequence: synonymous variant. On other transcripts: intron variant (2).
Genome position (GRCh38, 1-based): chr5:139,307,706, A>G. VCF-style: chr5-139307706-A-G. GRCh37 (hg19) VCF-style: chr5-138643395-A-G.
Other names: c.291A>G, p.Leu97= (NM_001194954.2, NM_001194955.2, NM_199189.3); c.-102-6969A>G (NM_001282278.2); c.49-6969A>G (NM_001194956.2).
Identifiers: ClinVar variation 351121 (VCV000351121.30), dbSNP rs147239107, ClinGen allele CA3432891.